The following is an entry in ClinVar:

ClinVar aggregate classification (germline): Benign/Likely benign. Review status: criteria provided, multiple submitters, no conflicts (2 of 4 stars). 4 submissions from 4 submitters: Benign (3); Likely benign (1). Last evaluated 2025-03-04.

Allele frequency attached by ClinVar (database versions not stated): gnomAD exomes 0.00041 and 0.00107; ExAC 0.00185; 1000 Genomes Project 0.00419; ESP Exome Variant Server 0.00469; gnomAD 0.00470 and 0.00505; 1000 Genomes Project 30x 0.00515; TOPMed 0.00528.
gnomAD v4.1: 1,275 of 1,465,682 alleles (0.087%); highest among the groups gnomAD compares: African/African-American, 1.6%; 10 homozygotes.

Submissions (4):

Center for Genomic Medicine, Rigshospitalet, Copenhagen University Hospital
Classification: Benign. Last evaluated: 2025-03-04. Review status: criteria provided, single submitter. Criteria: ACMG Guidelines, 2015. Collection method: clinical testing. Allele origin: germline.

ARUP Laboratories, Molecular Genetics and Genomics, ARUP Laboratories
Classification: Benign. Last evaluated: 2019-12-26. Review status: criteria provided, single submitter. Criteria: ARUP Molecular Germline Variant Investigation Process. Collection method: clinical testing. Allele origin: germline.

GeneDx
Classification: Likely benign. Last evaluated: 2018-06-12. Review status: criteria provided, single submitter. Criteria: GeneDx Variant Classification (06012015). Collection method: clinical testing. Allele origin: germline. Affected: yes.
Comment: This variant is considered likely benign or benign based on one or more of the following criteria: it is a conservative change, it occurs at a poorly conserved position in the protein, it is predicted to be benign by multiple in silico algorithms, and/or has population frequency not consistent with disease.

Eurofins Ntd Llc (ga)
Classification: Benign. Last evaluated: 2017-02-01. Review status: criteria provided, single submitter. Criteria: EGL Classification Definitions 2015. Collection method: clinical testing. Allele origin: germline. Observed: 1 variant allele, 1 heterozygote.

NM_000038.6(APC):c.532-32T>C

Gene: APC (APC regulator of WNT signaling pathway; plus strand). Cytogenetic location: 5q22.2.
Variant type: single nucleotide variant.
Coding change: c.532-32T>C on transcript NM_000038.6 (MANE Select); 32 bases into the intron before coding-DNA position 532, T replaced by C.
Molecular consequence: intron variant.
Genome position (GRCh38, 1-based): chr5:112,780,758, T>C. VCF-style: chr5-112780758-T-C. GRCh37 (hg19) VCF-style: chr5-112116455-T-C.
Other names: c.532-32T>C (NM_001354895.2, NM_001127510.3, NM_001354896.2 and 2 more transcripts); c.562-32T>C (NM_001354897.2, NM_001354902.2, NM_001127511.3); c.457-32T>C (NM_001354898.2, NM_001354904.2); c.-504-32T>C (NM_001354906.2); c.355-32T>C (NM_001354900.2, NM_001354901.2, NM_001354905.2).
Identifiers: ClinVar variation 496866 (VCV000496866.19), dbSNP rs112108777, ClinGen allele CA041485.